The following is an entry in ClinVar:

ClinVar aggregate classification (germline): Pathogenic/Likely pathogenic. Review status: criteria provided, multiple submitters, no conflicts (2 of 4 stars). 2 submissions from 2 submitters: Pathogenic (1); Likely pathogenic (1). Last evaluated 2024-03-01.

Conditions:
RYR1-related disorder. Also called: RYR1-related condition; RYR1-related disorders. Identifiers: MedGen CN239331.
Centronuclear myopathy (CNM). Also called: Myotubular myopathy; Centronuclear myopathy, congenital. Identifiers: Orphanet 595, MedGen C0175709, MONDO:0018947. Inheritance: All.

Allele frequency attached by ClinVar (database versions not stated): gnomAD 0.00001.
gnomAD v4.1: 7 of 1,613,828 alleles (0.00043%); highest among the groups gnomAD compares: Non-Finnish European, 0.00059%; no homozygotes.

Submissions (2):

Muscle and Diseases Team, Institut de Génétique et Biologie Moléculaire et Cellulaire
Classification: Likely pathogenic for Centronuclear myopathy. Last evaluated: 2024-03-01. Review status: criteria provided, single submitter. Criteria: ACMG Guidelines, 2015. Collection method: research. Allele origin: unknown. Affected: yes. Observed: 1 variant allele.
Comment: PVS1+PM2

Labcorp Genetics (formerly Invitae), Labcorp
Classification: Pathogenic for RYR1-related disorder. Last evaluated: 2023-11-13. Review status: criteria provided, single submitter. Criteria: Invitae Variant Classification Sherloc (09022015). Collection method: clinical testing. Allele origin: germline.
Comment: This sequence change creates a premature translational stop signal (p.Gln734*) in the RYR1 gene. It is expected to result in an absent or disrupted protein product. Loss-of-function variants in RYR1 are known to be pathogenic (PMID: 23919265, 25960145, 28818389, 30611313). This variant is present in population databases (rs768539376, gnomAD 0.002%). This variant has not been reported in the literature in individuals affected with RYR1-related conditions. For these reasons, this variant has been classified as Pathogenic.

Literature cited by the submitters: DOI 10.1186/s13073-024-01353-0 (cited by Muscle and Diseases Team, Institut de Génétique et Biologie Moléculaire et Cellulaire); PubMed 23919265 (cited by Labcorp Genetics (formerly Invitae), Labcorp); PubMed 25960145 (cited by Labcorp Genetics (formerly Invitae), Labcorp); PubMed 28818389 (cited by Labcorp Genetics (formerly Invitae), Labcorp); PubMed 30611313 (cited by Labcorp Genetics (formerly Invitae), Labcorp).

NM_000540.3(RYR1):c.2200C>T (p.Gln734Ter)

Gene: RYR1 (ryanodine receptor 1; plus strand). Cytogenetic location: 19q13.2.
Variant type: single nucleotide variant.
Coding change: c.2200C>T on transcript NM_000540.3 (MANE Select); coding-DNA position 2200, C replaced by T.
Protein change: p.Gln734Ter; replaces glutamine 734 with a stop codon.
Molecular consequence: nonsense.
Genome position (GRCh38, 1-based): chr19:38,459,178, C>T. VCF-style: chr19-38459178-C-T. GRCh37 (hg19) VCF-style: chr19-38949818-C-T.
Other names: c.2200C>T, p.Gln734Ter (NM_001042723.2); short protein forms Q734*.
Identifiers: ClinVar variation 3011522 (VCV003011522.4), dbSNP rs768539376, ClinGen allele CA063007.
Genomic context (GRCh38, chr19:38,459,178, plus strand): 5'-TCTGACCCATCTCTGGTGACTGATGCAGGACACGTGGCACGCCCAGTGACTTCCCCAGGG[C>T]AGCACCTCCTGGCCCCTGAAGACGTGATCAGCTGCTGCCTGGACCTCAGCGTGCCGTCCA-3'